The following is an entry in ClinVar:

ClinVar aggregate classification (germline): Benign (1 of 4 stars; one submission).

Allele frequency attached by ClinVar (database versions not stated): 1000 Genomes Project 30x 0.07979; 1000 Genomes Project 0.08267; TOPMed 0.09683; gnomAD 0.10614 and 0.10637.
gnomAD v4.1: 16,089 of 152,146 alleles (11%); highest among the groups gnomAD compares: Non-Finnish European, 13%; 939 homozygotes.

Submission:

GeneDx
Classification: Benign. Last evaluated: 2018-06-14. Review status: criteria provided, single submitter. Criteria: GeneDx Variant Classification (06012015). Collection method: clinical testing. Allele origin: germline. Affected: yes.
Comment: This variant is considered likely benign or benign based on one or more of the following criteria: it is a conservative change, it occurs at a poorly conserved position in the protein, it is predicted to be benign by multiple in silico algorithms, and/or has population frequency not consistent with disease.

NM_001256545.2(MEGF10):c.659+302T>G

Gene: MEGF10 (multiple EGF like domains 10; plus strand). Cytogenetic location: 5q23.2.
Variant type: single nucleotide variant.
Coding change: c.659+302T>G on transcript NM_001256545.2 (MANE Select); 302 bases into the intron after coding-DNA position 659, T replaced by G.
Molecular consequence: intron variant.
Genome position (GRCh38, 1-based): chr5:127,397,080, T>G. VCF-style: chr5-127397080-T-G. GRCh37 (hg19) VCF-style: chr5-126732772-T-G.
Other names: c.659+302T>G (NM_032446.3, NM_001308119.2, NM_001308121.2).
Identifiers: ClinVar variation 671486 (VCV000671486.1), dbSNP rs72788599, ClinGen allele CA12062966.